The following is an entry in ClinVar:

NM_015271.5(TRIM2):c.1179C>T (p.Thr393=)

Gene: TRIM2 (tripartite motif containing 2; plus strand). Cytogenetic location: 4q31.3.
Variant type: single nucleotide variant.
Coding change: c.1179C>T on transcript NM_015271.5 (MANE Select); coding-DNA position 1179, C replaced by T.
Protein change: p.Thr393=; no amino-acid change (threonine 393 retained).
Molecular consequence: synonymous variant.
Genome position (GRCh38, 1-based): chr4:153,295,705, C>T. VCF-style: chr4-153295705-C-T. GRCh37 (hg19) VCF-style: chr4-154216857-C-T.
Other names: c.1098C>T, p.Thr366= (NM_001130067.2, NM_001351056.2, NM_001375512.1 and 5 more transcripts); c.1152C>T, p.Thr384= (NM_001351054.2); c.1149C>T, p.Thr383= (NM_001351055.2); c.723C>T, p.Thr241= (NM_001351057.2); c.1272C>T, p.Thr424= (NM_001375488.1); c.1269C>T, p.Thr423= (NM_001375489.1); c.1122C>T, p.Thr374= (NM_001375490.1); c.1119C>T, p.Thr373= (NM_001375491.1); and 3 more.
Identifiers: ClinVar variation 774766 (VCV000774766.11), dbSNP rs376619155, ClinGen allele CA3108700.

ClinVar aggregate classification (germline): Likely benign. Review status: criteria provided, multiple submitters, no conflicts (2 of 4 stars). 2 submissions from 2 submitters: Likely benign (2). Last evaluated 2026-04-01.

Conditions:
Charcot-Marie-Tooth disease type 2R. Also called: CHARCOT-MARIE-TOOTH NEUROPATHY, TYPE 2R; CHARCOT-MARIE-TOOTH DISEASE, AXONAL, AUTOSOMAL RECESSIVE, TYPE 2R; Charcot-Marie-Tooth disease, axonal, type 2R. Identifiers: Orphanet 397968, MedGen C3809655, MONDO:0014208, OMIM 615490.

Allele frequency attached by ClinVar (database versions not stated): gnomAD 0.00004 and 0.00006; ESP Exome Variant Server 0.00008; ExAC 0.00010; TOPMed 0.00010.
gnomAD v4.1: 73 of 1,613,778 alleles (0.0045%); highest among the groups gnomAD compares: Middle Eastern, 0.099%; no homozygotes.

Submissions (2):

CeGaT Center for Human Genetics Tuebingen
Classification: Likely benign. Last evaluated: 2026-04-01. Review status: criteria provided, single submitter. Criteria: CeGaT Center For Human Genetics Tuebingen Variant Classification Criteria Version 2. Collection method: clinical testing. Allele origin: germline. Affected: yes. Observed: 1 variant allele.
Comment: TRIM2: BP4, BP7

Labcorp Genetics (formerly Invitae), Labcorp
Classification: Likely benign for Charcot-Marie-Tooth disease type 2R. Last evaluated: 2025-04-07. Review status: criteria provided, single submitter. Criteria: Invitae Variant Classification Sherloc (09022015). Collection method: clinical testing. Allele origin: germline.